The following is an entry in ClinVar:

ClinVar aggregate classification (germline): Uncertain significance (1 of 4 stars; one submission).

Conditions:
ALMS1-related disorder. Also called: ALMS1-related condition.

Submission:

PreventionGenetics, part of Exact Sciences
Classification: Uncertain significance for ALMS1-related condition. Last evaluated: 2025-06-02. Review status: criteria provided, single submitter. Criteria: ACMG Guidelines, 2015. Collection method: clinical testing. Allele origin: germline.
Comment: The ALMS1 c.6595G>A variant is predicted to result in the amino acid substitution p.Glu2199Lys. To our knowledge, this variant has not been reported in the literature or in a large population database (gnomAD), indicating this variant is rare. At this time, the clinical significance of this variant is uncertain due to the absence of conclusive functional and genetic evidence.

NM_001378454.1(ALMS1):c.6592G>A (p.Val2198Ile)

Gene: ALMS1 (ALMS1 centrosome and basal body associated protein; plus strand). Cytogenetic location: 2p13.1.
Variant type: single nucleotide variant.
Coding change: c.6592G>A on transcript NM_001378454.1 (MANE Select); coding-DNA position 6592, G replaced by A.
Protein change: p.Val2198Ile; replaces valine 2198 with isoleucine.
Molecular consequence: missense variant.
Genome position (GRCh38, 1-based): chr2:73,453,119, G>A. VCF-style: chr2-73453119-G-A. GRCh37 (hg19) VCF-style: chr2-73680246-G-A.
Other names: c.6595G>A, p.Val2199Ile (NM_015120.4); short protein forms V2198I, V2199I.
Identifiers: ClinVar variation 4999803 (VCV004999803.1).